The following is an entry in ClinVar:

ClinVar aggregate classification (germline): Uncertain significance (1 of 4 stars; one submission).

Conditions:
Emery-Dreifuss muscular dystrophy 5, autosomal dominant (EDMD5). Also called: EMERY-DREIFUSS MUSCULAR DYSTROPHY 5. Identifiers: Orphanet 261, MedGen C2751805, MONDO:0013072, OMIM 612999.

Allele frequency attached by ClinVar (database versions not stated): ExAC 0.00001.
gnomAD v4.1: 43 of 1,614,024 alleles (0.0027%); highest among the groups gnomAD compares: Non-Finnish European, 0.0036%; no homozygotes.

Submission:

Labcorp Genetics (formerly Invitae), Labcorp
Classification: Uncertain significance for Emery-Dreifuss muscular dystrophy 5, autosomal dominant. Last evaluated: 2022-08-31. Review status: criteria provided, single submitter. Criteria: Invitae Variant Classification Sherloc (09022015). Collection method: clinical testing. Allele origin: germline.
Comment: This sequence change replaces glutamine, which is neutral and polar, with histidine, which is basic and polar, at codon 6192 of the SYNE2 protein (p.Gln6192His). This variant is present in population databases (rs767193717, gnomAD 0.003%). This variant has not been reported in the literature in individuals affected with SYNE2-related conditions. Algorithms developed to predict the effect of missense changes on protein structure and function are either unavailable or do not agree on the potential impact of this missense change (SIFT: "Deleterious"; PolyPhen-2: "Possibly Damaging"; Align-GVGD: "Class C0"). In summary, the available evidence is currently insufficient to determine the role of this variant in disease. Therefore, it has been classified as a Variant of Uncertain Significance.

NM_182914.3(SYNE2):c.18576G>C (p.Gln6192His)

Gene: SYNE2 (spectrin repeat containing nuclear envelope protein 2; plus strand). Cytogenetic location: 14q23.2.
Variant type: single nucleotide variant.
Coding change: c.18576G>C on transcript NM_182914.3 (MANE Select); coding-DNA position 18576, G replaced by C.
Protein change: p.Gln6192His; replaces glutamine 6192 with histidine.
Molecular consequence: missense variant.
Genome position (GRCh38, 1-based): chr14:64,209,977, G>C. VCF-style: chr14-64209977-G-C. GRCh37 (hg19) VCF-style: chr14-64676695-G-C.
Other names: c.18576G>C, p.Gln6192His (NM_015180.6); short protein forms Q6192H.
Identifiers: ClinVar variation 2136828 (VCV002136828.4), dbSNP rs767193717, ClinGen allele CA7224140.
Genomic context (GRCh38, chr14:64,209,977, plus strand): 5'-CTCTGACCCCTCCCATGTGATGCAGGCCTTTCAGCGGCAGATTCATGAGCGGCTCACTCA[G>C]CTGGAGCTCATCAACAAGCAGTACCGGCGGCTGGCCCGGGAGAACCGCACAGACACGGCC-3'
Protein context (NP_878918.2, residues 6182-6202): FQRQIHERLT[Gln6192His]LELINKQYRR